The following is an entry in ClinVar:

NM_005228.5(EGFR):c.3604C>T (p.Pro1202Ser)

Gene: EGFR (epidermal growth factor receptor; plus strand). Cytogenetic location: 7p11.2.
Variant type: single nucleotide variant.
Coding change: c.3604C>T on transcript NM_005228.5 (MANE Select); coding-DNA position 3604, C replaced by T.
Protein change: p.Pro1202Ser; replaces proline 1202 with serine.
Molecular consequence: missense variant.
Genome position (GRCh38, 1-based): chr7:55,205,588, C>T. VCF-style: chr7-55205588-C-T. GRCh37 (hg19) VCF-style: chr7-55273281-C-T.
Other names: c.3469C>T, p.Pro1157Ser (NM_001346899.2); c.3445C>T, p.Pro1149Ser (NM_001346900.2); c.2803C>T, p.Pro935Ser (NM_001346941.2); short protein forms P1202S, P935S, P1149S, P1157S.
Identifiers: ClinVar variation 5035782 (VCV005035782.1).

ClinVar aggregate classification (germline): Uncertain significance (1 of 4 stars; one submission).

Conditions:
Hereditary cancer-predisposing syndrome. Also called: Hereditary Cancer Syndrome; Neoplastic Syndromes, Hereditary; Tumor predisposition; Hereditary neoplastic syndrome. Identifiers: Orphanet 140162, MedGen C0027672, MeSH D009386, MONDO:0015356.

Submission:

Ambry Genetics
Classification: Uncertain significance for Hereditary cancer-predisposing syndrome. Last evaluated: 2026-07-07. Review status: criteria provided, single submitter. Criteria: Ambry Variant Classification Scheme 2023. Collection method: clinical testing. Allele origin: germline.
Comment: The p.P1202S variant (also known as c.3604C>T), located in coding exon 28 of the EGFR gene, results from a C to T substitution at nucleotide position 3604. The proline at codon 1202 is replaced by serine, an amino acid with similar properties. This amino acid position is conserved. In addition, this alteration is predicted to be tolerated by in silico analysis. Based on the available evidence, the clinical significance of this variant remains unclear.